The following is an entry in ClinVar:

ClinVar aggregate classification (germline): Uncertain significance (1 of 4 stars; one submission).

Submission:

Labcorp Genetics (formerly Invitae), Labcorp
Classification: Uncertain significance. Last evaluated: 2021-08-19. Review status: criteria provided, single submitter. Criteria: Invitae Variant Classification Sherloc (09022015). Collection method: clinical testing. Allele origin: germline.
Comment: In summary, the available evidence is currently insufficient to determine the role of this variant in disease. Therefore, it has been classified as a Variant of Uncertain Significance. Algorithms developed to predict the effect of missense changes on protein structure and function (SIFT, PolyPhen-2, Align-GVGD) all suggest that this variant is likely to be tolerated. This variant has not been reported in the literature in individuals affected with CREB3L1-related conditions. This variant is not present in population databases (ExAC no frequency). This sequence change replaces lysine with glutamic acid at codon 517 of the CREB3L1 protein (p.Lys517Glu). The lysine residue is moderately conserved and there is a small physicochemical difference between lysine and glutamic acid.

NM_052854.4(CREB3L1):c.1549A>G (p.Lys517Glu)

Gene: CREB3L1 (cAMP responsive element binding protein 3 like 1; plus strand). Cytogenetic location: 11p11.2.
Variant type: single nucleotide variant.
Coding change: c.1549A>G on transcript NM_052854.4 (MANE Select); coding-DNA position 1549, A replaced by G.
Protein change: p.Lys517Glu; replaces lysine 517 with glutamic acid.
Molecular consequence: missense variant.
Genome position (GRCh38, 1-based): chr11:46,320,735, A>G. VCF-style: chr11-46320735-A-G. GRCh37 (hg19) VCF-style: chr11-46342285-A-G.
Other names: short protein forms K517E.
Identifiers: ClinVar variation 1484525 (VCV001484525.6), dbSNP rs2136361317, ClinGen allele CA380226809.